The following is an entry in ClinVar:

NM_001244008.2(KIF1A):c.3466-4C>G

Gene: KIF1A (kinesin family member 1A; minus strand). Cytogenetic location: 2q37.3.
Variant type: single nucleotide variant.
Coding change: c.3466-4C>G on transcript NM_001244008.2 (MANE Select); 4 bases into the intron before coding-DNA position 3466, C replaced by G.
Molecular consequence: intron variant.
Genome position (GRCh38, 1-based): chr2:240,744,064, G>C on the plus strand (C>G on the coding strand, the complement: KIF1A is on the minus strand). VCF-style: chr2-240744064-G-C. GRCh37 (hg19) VCF-style: chr2-241683481-G-C.
Other names: c.3163-4C>G (NM_001379653.1, NM_001379650.1, NM_001379641.1 and 5 more transcripts); c.3439-4C>G (NM_001379645.1, NM_001379633.1, NM_001379642.1); c.3265-4C>G (NM_001379635.1, NM_001330290.2, NM_001379646.1 and 1 more transcripts); c.3160-4C>G (NM_001379640.1); c.3415-4C>G (NM_001379632.1); c.3238-4C>G (NM_001379637.1, NM_001379648.1); c.3190-4C>G (NM_001320705.2, NM_001379638.1, NM_001330289.2); c.3541-4C>G (NM_001379631.1).
Identifiers: ClinVar variation 2951670 (VCV002951670.3), dbSNP rs2537242266, ClinGen allele CA2740096520.

ClinVar aggregate classification (germline): Uncertain significance (1 of 4 stars; one submission).

Conditions:
Neuropathy, hereditary sensory, type 2C. Also called: KIF1A-Related HSAN2 (HSAN2C); Hereditary sensory and autonomic neuropathy type IIC. Identifiers: Orphanet 970, MedGen C3280168, MONDO:0013634, OMIM 614213.
Hereditary spastic paraplegia 30. Identifiers: Orphanet 101010, MedGen C5235139, MONDO:0012476.
Intellectual disability, autosomal dominant 9 (NESCAVS). Also called: NESCAV SYNDROME; KIF1A-Related Neurodevelopmental Disorder. Identifiers: Orphanet 662367, MedGen C5393830, MONDO:0013656, OMIM 614255.

Submission:

Labcorp Genetics (formerly Invitae), Labcorp
Classification: Uncertain significance for Hereditary spastic paraplegia 30; Neuropathy, hereditary sensory, type 2C; Intellectual disability, autosomal dominant 9. Last evaluated: 2023-09-06. Review status: criteria provided, single submitter. Criteria: Invitae Variant Classification Sherloc (09022015). Collection method: clinical testing. Allele origin: germline.
Comment: This sequence change falls in intron 29 of the KIF1A gene. It does not directly change the encoded amino acid sequence of the KIF1A protein. This variant is not present in population databases (gnomAD no frequency). This variant has not been reported in the literature in individuals affected with KIF1A-related conditions. Algorithms developed to predict the effect of sequence changes on RNA splicing suggest that this variant may create or strengthen a splice site. In summary, the available evidence is currently insufficient to determine the role of this variant in disease. Therefore, it has been classified as a Variant of Uncertain Significance.